The following is an entry in ClinVar:

ClinVar aggregate classification (germline): Uncertain significance (1 of 4 stars; one submission).

gnomAD v4.1: 5 of 1,614,228 alleles (0.00031%); highest among the groups gnomAD compares: African/African-American, 0.0013%; no homozygotes.

Submission:

Mayo Clinic Laboratories, Mayo Clinic
Classification: Uncertain significance. Last evaluated: 2023-11-15. Review status: criteria provided, single submitter. Criteria: ACMG Guidelines, 2015. Collection method: clinical testing. Allele origin: germline. Observed: 1 variant allele.
Comment: PP3, PM2_moderate

NM_014363.6(SACS):c.570T>A (p.Phe190Leu)

Gene: SACS (sacsin molecular chaperone; minus strand). Cytogenetic location: 13q12.12.
Variant type: single nucleotide variant.
Coding change: c.570T>A on transcript NM_014363.6 (MANE Select); coding-DNA position 570, T replaced by A.
Protein change: p.Phe190Leu; replaces phenylalanine 190 with leucine.
Molecular consequence: missense variant.
Genome position (GRCh38, 1-based): chr13:23,358,369, A>T on the plus strand (T>A on the coding strand, the complement: SACS is on the minus strand). VCF-style: chr13-23358369-A-T. GRCh37 (hg19) VCF-style: chr13-23932508-A-T.
Other names: p.Phe190Leu; c.129T>A, p.Phe43Leu (NM_001278055.2); short protein forms F190L, F43L.
Identifiers: ClinVar variation 3380146 (VCV003380146.1).